The following is an entry in ClinVar:

NM_022773.4(LMF1):c.1061G>A (p.Arg354Gln)

Gene: LMF1 (lipase maturation factor 1; minus strand). Cytogenetic location: 16p13.3.
Variant type: single nucleotide variant.
Coding change: c.1061G>A on transcript NM_022773.4 (MANE Select); coding-DNA position 1061, G replaced by A.
Protein change: p.Arg354Gln; replaces arginine 354 with glutamine.
Molecular consequence: missense variant. On other transcripts: non-coding transcript variant (1).
Genome position (GRCh38, 1-based): chr16:871,178, C>T on the plus strand (G>A on the coding strand, the complement: LMF1 is on the minus strand). VCF-style: chr16-871178-C-T. GRCh37 (hg19) VCF-style: chr16-921178-C-T.
Other names: c.1061G>A (NM_022773.3); c.410G>A, p.Arg137Gln (NM_001352017.2, NM_001352021.2); c.662G>A, p.Arg221Gln (NM_001352018.2); c.734G>A, p.Arg245Gln (NM_001352019.2); c.1061G>A, p.Arg354Gln (NM_001352020.1); short protein forms R354Q, R137Q, R221Q, R245Q.
Identifiers: ClinVar variation 1780426 (VCV001780426.9), dbSNP rs138461953, ClinGen allele CA7797228.

ClinVar aggregate classification (germline): Conflicting classifications of pathogenicity. Review status: criteria provided, conflicting classifications (1 of 4 stars). 5 submissions from 5 submitters: Uncertain significance (2); Likely benign (3). Last evaluated 2026-03-27.

Conditions:
Cardiovascular phenotype. Identifiers: MedGen CN230736.

Allele frequency attached by ClinVar (database versions not stated): TOPMed 0.00045; gnomAD 0.00056; ESP Exome Variant Server 0.00058; 1000 Genomes Project 0.00080; 1000 Genomes Project 30x 0.00094.
gnomAD v4.1: 1,440 of 1,602,340 alleles (0.09%); highest among the groups gnomAD compares: Non-Finnish European, 0.11%; 3 homozygotes.

Submissions (5):

Molecular Diagnostic Laboratory for Inherited Cardiovascular Disease, Montreal Heart Institute
Classification: Likely benign. Last evaluated: 2026-03-27. Review status: criteria provided, single submitter. Criteria: ACMG Guidelines, 2015. Collection method: clinical testing. Allele origin: germline. Affected: no.
Comment: BS1, BP4

Labcorp Genetics (formerly Invitae), Labcorp
Classification: Uncertain significance. Last evaluated: 2025-01-23. Review status: criteria provided, single submitter. Criteria: Invitae Variant Classification Sherloc (09022015). Collection method: clinical testing. Allele origin: germline.
Comment: This sequence change replaces arginine, which is basic and polar, with glutamine, which is neutral and polar, at codon 354 of the LMF1 protein (p.Arg354Gln). This variant is present in population databases (rs138461953, gnomAD 0.1%), and has an allele count higher than expected for a pathogenic variant. This variant has not been reported in the literature in individuals affected with LMF1-related conditions. ClinVar contains an entry for this variant (Variation ID: 1780426). An algorithm developed to predict the effect of missense changes on protein structure and function outputs the following: PolyPhen-2: "Benign". The glutamine amino acid residue is found in multiple mammalian species, which suggests that this missense change does not adversely affect protein function. In summary, the available evidence is currently insufficient to determine the role of this variant in disease. Therefore, it has been classified as a Variant of Uncertain Significance.

Blueprint Genetics
Classification: Likely benign. Last evaluated: 2024-11-26. Review status: criteria provided, single submitter. Criteria: ACMG Guidelines, 2015. Collection method: clinical testing. Allele origin: germline.

GeneDx
Classification: Uncertain significance. Last evaluated: 2023-04-24. Review status: criteria provided, single submitter. Criteria: GeneDx Variant Classification Process June 2021. Collection method: clinical testing. Allele origin: germline. Affected: yes.
Comment: In silico analysis supports that this missense variant does not alter protein structure/function; Has not been previously published as pathogenic or benign to our knowledge

Ambry Genetics
Classification: Likely benign for Cardiovascular phenotype. Last evaluated: 2019-12-05. Review status: criteria provided, single submitter. Criteria: Ambry Variant Classification Scheme 2023. Collection method: clinical testing. Allele origin: germline.